The following is an entry in ClinVar:

NM_020117.11(LARS1):c.11_12del (p.Arg4fs)

Genes: LARS1 (leucyl-tRNA synthetase 1; minus strand), LOC129389388 (MPRA-validated peak5521 silencer; plus strand). Cytogenetic location: 5q32.
Variant type: Deletion.
Coding change: c.11_12del on transcript NM_020117.11 (MANE Select); coding-DNA positions 11 to 12, 2 bases deleted (GA; older notation c.11_12delGA).
Protein change: p.Arg4fs; shifts the reading frame from arginine 4.
Molecular consequence: frameshift variant. On other transcripts: intron variant (1).
Genome position (GRCh38, 1-based): chr5:146,177,660-146,177,661, TC deleted on the plus strand (GA on the coding strand, the reverse complement: LARS1 is on the minus strand); deleting any 2 consecutive bases within chr5:146,177,660-146,177,662 gives the same sequence; the c. name uses the placement nearest the transcript's 3' end. VCF-style (leftmost placement, unchanged base first): chr5-146177659-TTC-T. GRCh37 (hg19) VCF-style: chr5-145557222-TTC-T.
Other names: c.11_12del, p.Arg4fs (NM_001317964.2, NM_016460.4); c.-38+4827_-38+4828del (NM_001317965.2); short protein forms R4fs.
Identifiers: ClinVar variation 2803844 (VCV002803844.3), dbSNP rs777302019, ClinGen allele CA3490060.

ClinVar aggregate classification (germline): Pathogenic (1 of 4 stars; one submission).

Submission:

Labcorp Genetics (formerly Invitae), Labcorp
Classification: Pathogenic. Last evaluated: 2023-08-30. Review status: criteria provided, single submitter. Criteria: Invitae Variant Classification Sherloc (09022015). Collection method: clinical testing. Allele origin: germline.
Comment: This variant has not been reported in the literature in individuals affected with LARS-related conditions. This sequence change creates a premature translational stop signal (p.Arg4Lysfs*13) in the LARS gene. It is expected to result in an absent or disrupted protein product. Loss-of-function variants in LARS are known to be pathogenic (PMID: 32699352, 33300650). This variant is present in population databases (rs777302019, gnomAD 0.003%). For these reasons, this variant has been classified as Pathogenic.

Literature cited by the submitters: PubMed 32699352; PubMed 33300650.